The following is an entry in ClinVar:

NM_024426.6(WT1):c.166G>A (p.Glu56Lys)

Genes: WT1 (WT1 transcription factor; minus strand), LOC107982234 (WT1/WT1-AS bi-directional promoter region; plus strand). Cytogenetic location: 11p13.
Variant type: single nucleotide variant.
Coding change: c.166G>A on transcript NM_024426.6 (MANE Select); coding-DNA position 166, G replaced by A.
Protein change: p.Glu56Lys; replaces glutamic acid 56 with lysine.
Molecular consequence: missense variant. On other transcripts: 5 prime UTR variant (4), non-coding transcript variant (2).
Genome position (GRCh38, 1-based): chr11:32,435,195, C>T on the plus strand (G>A on the coding strand, the complement: WT1 is on the minus strand). VCF-style: chr11-32435195-C-T. GRCh37 (hg19) VCF-style: chr11-32456741-C-T.
Other names: c.166G>A, p.Glu56Lys (NM_000378.6, NM_001407044.1, NM_001407045.1 and 6 more transcripts); c.-54G>A (NM_001429031.1, NM_001429032.1, NM_001429033.1 and 1 more transcripts); short protein forms E51K, E56K.
Identifiers: ClinVar variation 3817482 (VCV003817482.1).
Genomic context (GRCh38, chr11:32,435,195, plus strand): 5'-AGCCCATTTGCTGCGGCTCAGACCCGGACGCCCCGCGGCTCCTCCGGCCCTGGAGACGTT[C>T]AGCGCTGGCCTCGGCGGCGCCTAACTTGGCCCAGATGCCGCCCGGGTCCCGGACTCCCTG-3'
Protein context (NP_077744.4, residues 46-66): AKLGAAEASA[Glu56Lys]RLQGRRSRGA

ClinVar aggregate classification (germline): Uncertain significance (1 of 4 stars; one submission).

Conditions:
Inborn genetic diseases. Identifiers: MedGen C0950123, MeSH D030342.

Submission:

Ambry Genetics
Classification: Uncertain significance for Inborn genetic diseases. Last evaluated: 2025-02-15. Review status: criteria provided, single submitter. Criteria: Ambry Variant Classification Scheme 2023. Collection method: clinical testing. Allele origin: germline.
Comment: The p.E51K variant (also known as c.151G>A), located in coding exon 1 of the WT1 gene, results from a G to A substitution at nucleotide position 151. The glutamic acid at codon 51 is replaced by lysine, an amino acid with similar properties. This amino acid position is conserved. In addition, this alteration is predicted to be tolerated by in silico analysis. Based on the available evidence, the clinical significance of this variant remains unclear.